The following is an entry in ClinVar:

NM_003611.3(OFD1):c.2097dup (p.Glu700Ter)

Gene: OFD1 (OFD1 centriole and centriolar satellite protein; plus strand). Cytogenetic location: Xp22.2.
Variant type: Duplication.
Coding change: c.2097dup on transcript NM_003611.3 (MANE Select); coding-DNA position 2097, one base duplicated (T; older notation c.2097dupT).
Protein change: p.Glu700Ter; replaces glutamic acid 700 with a stop codon.
Molecular consequence: nonsense.
Genome position (GRCh38, 1-based): chrX:13,760,557, T duplicated. VCF-style (leftmost placement, unchanged base first): chrX-13760556-C-CT. GRCh37 (hg19) VCF-style: chrX-13778675-C-CT.
Other names: c.2097dupT (NM_003611.3); c.1977dup, p.Glu660Ter (NM_001330209.2); c.1677dup, p.Glu560Ter (NM_001330210.2); short protein forms E560*, E660*, E700*.
Identifiers: ClinVar variation 3339252 (VCV003339252.1).

ClinVar aggregate classification (germline): Pathogenic (1 of 4 stars; one submission).

Conditions:
Orofaciodigital syndrome I (OFD1). Also called: OFDS I; Papillon-Leage and Psaume Syndrome; Oral-Facial-Digital Syndrome Type I. Identifiers: Orphanet 2750, MedGen C1510460, MONDO:0010702, OMIM 311200.

Submission:

Women's Health and Genetics/Laboratory Corporation of America, LabCorp
Classification: Pathogenic for Orofaciodigital syndrome I. Last evaluated: 2024-07-31. Review status: criteria provided, single submitter. Criteria: LabCorp Variant Classification Summary - May 2015. Collection method: clinical testing. Allele origin: germline.
Comment: Variant summary: OFD1 c.2097dupT (p.Glu700X) results in a premature termination codon, predicted to cause a truncation of the encoded protein or absence of the protein due to nonsense mediated decay, which are commonly known mechanisms for disease. The variant was absent in 165007 control chromosomes. To our knowledge, no occurrence of c.2097dupT in individuals affected with Orofaciodigital Syndrome I and no experimental evidence demonstrating its impact on protein function have been reported. No submitters have cited clinical-significance assessments for this variant to ClinVar. Based on the evidence outlined above, the variant was classified as pathogenic.